The following is an entry in ClinVar:

NM_198578.4(LRRK2):c.4430G>T (p.Arg1477Leu)

Gene: LRRK2 (leucine rich repeat kinase 2; plus strand). Cytogenetic location: 12q12.
Variant type: single nucleotide variant.
Coding change: c.4430G>T on transcript NM_198578.4 (MANE Select); coding-DNA position 4430, G replaced by T.
Protein change: p.Arg1477Leu; replaces arginine 1477 with leucine.
Molecular consequence: missense variant.
Genome position (GRCh38, 1-based): chr12:40,310,543, G>T. VCF-style: chr12-40310543-G-T. GRCh37 (hg19) VCF-style: chr12-40704345-G-T.
Other names: short protein forms R1477L.
Identifiers: ClinVar variation 4736965 (VCV004736965.1).

ClinVar aggregate classification (germline): Uncertain significance (1 of 4 stars; one submission).

Conditions:
Autosomal dominant Parkinson disease 8. Also called: Parkinson disease 8, susceptibility to; LRRK2-Related Parkinson Disease; Parkinson disease 8. Identifiers: Orphanet 411602, MedGen C1846862, MONDO:0011764, OMIM 607060.

gnomAD v4.1: 6 of 1,611,816 alleles (0.00037%); highest among the groups gnomAD compares: East Asian, 0.0022%; no homozygotes.

Submission:

Labcorp Genetics (formerly Invitae), Labcorp
Classification: Uncertain significance for Autosomal dominant Parkinson disease 8. Last evaluated: 2025-12-22. Review status: criteria provided, single submitter. Criteria: Invitae Variant Classification Sherloc (09022015). Collection method: clinical testing. Allele origin: germline.
Comment: This sequence change replaces arginine, which is basic and polar, with leucine, which is neutral and non-polar, at codon 1477 of the LRRK2 protein (p.Arg1477Leu). This variant is present in population databases (rs780334763, gnomAD 0.0009%). This variant has not been reported in the literature in individuals affected with LRRK2-related conditions. Invitae Evidence Modeling of protein sequence and biophysical properties (such as structural, functional, and spatial information, amino acid conservation, physicochemical variation, residue mobility, and thermodynamic stability) indicates that this missense variant is expected to disrupt LRRK2 protein function with a positive predictive value of 80%. In summary, the available evidence is currently insufficient to determine the role of this variant in disease. Therefore, it has been classified as a Variant of Uncertain Significance.